The following is an entry in ClinVar:

ClinVar aggregate classification (germline): Uncertain significance (1 of 4 stars; one submission).

Conditions:
Intellectual developmental disorder with severe speech and ambulation defects. Identifiers: MedGen C5193115, MONDO:0032770, OMIM 618470.

Submission:

3billion
Classification: Uncertain significance for Intellectual developmental disorder with severe speech and ambulation defects. Last evaluated: 2024-09-25. Review status: criteria provided, single submitter. Criteria: ACMG Guidelines, 2015. Collection method: clinical testing. Allele origin: germline. Affected: yes.
Comment: The variant is not observed in the gnomAD v4.0.0 dataset. Predicted Consequence/Location: Missense variant In silico tool predictions suggest no damaging effect of the variant on gene or gene product [REVEL: 0.38 (<0.4); 3Cnet: 0.02 (<0.15, specificity 0.78 and negative predictive value 0.92)]. Therefore, this variant is classified as VUS according to the recommendation of ACMG/AMP guideline.

NM_016188.5(ACTL6B):c.185G>A (p.Gly62Glu)

Gene: ACTL6B (actin like 6B; minus strand). Cytogenetic location: 7q22.1.
Variant type: single nucleotide variant.
Coding change: c.185G>A on transcript NM_016188.5 (MANE Select); coding-DNA position 185, G replaced by A.
Protein change: p.Gly62Glu; replaces glycine 62 with glutamic acid.
Molecular consequence: missense variant. On other transcripts: non-coding transcript variant (1).
Genome position (GRCh38, 1-based): chr7:100,655,504, C>T on the plus strand (G>A on the coding strand, the complement: ACTL6B is on the minus strand). VCF-style: chr7-100655504-C-T. GRCh37 (hg19) VCF-style: chr7-100253127-C-T.
Other names: short protein forms G62E.
Identifiers: ClinVar variation 4293039 (VCV004293039.1).